The following is an entry in ClinVar:

NM_020631.6(PLEKHG5):c.1439T>G (p.Met480Arg)

Gene: PLEKHG5 (pleckstrin homology and RhoGEF domain containing G5; minus strand). Cytogenetic location: 1p36.31.
Variant type: single nucleotide variant.
Coding change: c.1439T>G on transcript NM_020631.6 (MANE Select); coding-DNA position 1439, T replaced by G.
Protein change: p.Met480Arg; replaces methionine 480 with arginine.
Molecular consequence: missense variant.
Genome position (GRCh38, 1-based): chr1:6,470,838, A>C on the plus strand (T>G on the coding strand, the complement: PLEKHG5 is on the minus strand). VCF-style: chr1-6470838-A-C. GRCh37 (hg19) VCF-style: chr1-6530898-A-C.
Other names: c.1550T>G, p.Met517Arg (NM_001042663.3, NM_001265592.2); c.1439T>G, p.Met480Arg (NM_001042664.2, NM_001042665.2, NM_001265594.3 and 1 more transcripts); c.1646T>G, p.Met549Arg (NM_001265593.2); short protein forms M549R, M517R, M480R.
Identifiers: ClinVar variation 1525289 (VCV001525289.5), dbSNP rs2148582901, ClinGen allele CA338126923.

ClinVar aggregate classification (germline): Uncertain significance (1 of 4 stars; one submission).

Conditions:
Charcot-Marie-Tooth disease recessive intermediate C. Also called: CHARCOT-MARIE-TOOTH NEUROPATHY, RECESSIVE INTERMEDIATE C. Identifiers: Orphanet 369867, MedGen C3809309, MONDO:0014154, OMIM 615376.
Neuronopathy, distal hereditary motor, autosomal recessive 4. Also called: NEUROPATHY, DISTAL HEREDITARY MOTOR, AUTOSOMAL RECESSIVE 4; Autosomal recessive lower motor neuron disease with childhood onset. Identifiers: Orphanet 206580, MedGen C1970211, MONDO:0012608, OMIM 611067.

Submission:

Labcorp Genetics (formerly Invitae), Labcorp
Classification: Uncertain significance for Neuronopathy, distal hereditary motor, autosomal recessive 4; Charcot-Marie-Tooth disease recessive intermediate C. Last evaluated: 2021-11-10. Review status: criteria provided, single submitter. Criteria: Invitae Variant Classification Sherloc (09022015). Collection method: clinical testing. Allele origin: germline.
Comment: In summary, the available evidence is currently insufficient to determine the role of this variant in disease. Therefore, it has been classified as a Variant of Uncertain Significance. Algorithms developed to predict the effect of missense changes on protein structure and function are either unavailable or do not agree on the potential impact of this missense change (SIFT: "Deleterious"; PolyPhen-2: "Probably Damaging"; Align-GVGD: "Class C0"). This variant has not been reported in the literature in individuals affected with PLEKHG5-related conditions. This variant is not present in population databases (gnomAD no frequency). This sequence change replaces methionine, which is neutral and non-polar, with arginine, which is basic and polar, at codon 480 of the PLEKHG5 protein (p.Met480Arg).